The following is an entry in ClinVar:

ClinVar aggregate classification (germline): Conflicting classifications of pathogenicity. Review status: criteria provided, conflicting classifications (1 of 4 stars). 4 submissions from 4 submitters: Uncertain significance (3); Benign (1). Last evaluated 2025-04-09.

Conditions:
Ehlers-Danlos syndrome, classic type, 1 (EDSCL1). Also called: EHLERS-DANLOS SYNDROME, GRAVIS TYPE; EHLERS-DANLOS SYNDROME, SEVERE CLASSIC TYPE; Ehlers-Danlos Syndrome, Classic Type, COL5A1-Related; EDS I; Ehlers-Danlos syndrome, type 1. Identifiers: MedGen C0268335, MONDO:0019567, OMIM 130000.
Familial thoracic aortic aneurysm and aortic dissection (TAAD). Also called: Thoracic aortic aneurysms and dissections. Identifiers: Orphanet 91387, MedGen C4707243, MONDO:0019625.

Allele frequency attached by ClinVar (database versions not stated): TOPMed 0.00002; gnomAD 0.00001.

Submissions (4):

Ambry Genetics
Classification: Uncertain significance for Familial thoracic aortic aneurysm and aortic dissection. Last evaluated: 2025-04-09. Review status: criteria provided, single submitter. Criteria: Ambry Variant Classification Scheme 2023. Collection method: clinical testing. Allele origin: germline.
Comment: The p.E468K variant (also known as c.1402G>A), located in coding exon 10 of the COL5A1 gene, results from a G to A substitution at nucleotide position 1402. The glutamic acid at codon 468 is replaced by lysine, an amino acid with similar properties. This variant was detected in the homozygous state and in conjunction with a second heterozygous COL5A1 variant in an individual with vascular dissection (Qin C et al. Neurology, 2017 Jan;88:e26-e29). This amino acid position is highly conserved in available vertebrate species. In addition, the in silico prediction for this alteration is inconclusive. Based on the available evidence, the clinical significance of this variant remains unclear.

Labcorp Genetics (formerly Invitae), Labcorp
Classification: Benign for Ehlers-Danlos syndrome, classic type, 1. Last evaluated: 2024-02-05. Review status: criteria provided, single submitter. Criteria: Invitae Variant Classification Sherloc (09022015). Collection method: clinical testing. Allele origin: germline.

Women's Health and Genetics/Laboratory Corporation of America, LabCorp
Classification: Uncertain significance. Last evaluated: 2023-12-10. Review status: criteria provided, single submitter. Criteria: LabCorp Variant Classification Summary - May 2015. Collection method: clinical testing. Allele origin: germline.

GeneDx
Classification: Uncertain significance. Last evaluated: 2022-06-23. Review status: criteria provided, single submitter. Criteria: GeneDx Variant Classification Process June 2021. Collection method: clinical testing. Allele origin: germline. Affected: yes.
Comment: Identified as homozygous in a patient with ischemia due to spontaneous, recurrent, bilateral carotid artery dissections; this patient was also heterozygous for a second variant in COL5A1 (Qin et al., 2017); In silico analysis supports that this missense variant has a deleterious effect on protein structure/function; Not located in the triple helical region, where the majority of pathogenic missense variants occur (Symoens et al., 2012; HGMD); This variant is associated with the following publications: (PMID: 22696272, 28093518)

Literature cited by the submitters: PubMed 28093518 (cited by Ambry Genetics).

NM_000093.5(COL5A1):c.1402G>A (p.Glu468Lys)

Gene: COL5A1 (collagen type V alpha 1 chain; plus strand). Cytogenetic location: 9q34.3.
Variant type: single nucleotide variant.
Coding change: c.1402G>A on transcript NM_000093.5 (MANE Select); coding-DNA position 1402, G replaced by A.
Protein change: p.Glu468Lys; replaces glutamic acid 468 with lysine.
Molecular consequence: missense variant.
Genome position (GRCh38, 1-based): chr9:134,738,486, G>A. VCF-style: chr9-134738486-G-A. GRCh37 (hg19) VCF-style: chr9-137630332-G-A.
Other names: c.1402G>A, p.Glu468Lys (NM_001278074.1); short protein forms E468K.
Identifiers: ClinVar variation 409118 (VCV000409118.13), dbSNP rs754948598, ClinGen allele CA5318780.
Genomic context (GRCh38, chr9:134,738,486, plus strand): 5'-CGGGAGGGATGGGCTGCGGTCTCAGACGCCCTCTCTCTGTCTCCCCAGGGCATGCTCATC[G>A]AGGGCCCGCCTGGCCCAGAAGGCCCCGCGGTGAGTATCCGGCTTTATCCTGTGACTTGCA-3'
Protein context (NP_000084.3, residues 458-478): PAIIEPGMLI[Glu468Lys]GPPGPEGPAG